The following is an entry in ClinVar:

NM_024782.3(NHEJ1):c.177G>A (p.Lys59=)

Gene: NHEJ1 (non-homologous end joining factor 1; minus strand). Cytogenetic location: 2q35.
Variant type: single nucleotide variant.
Coding change: c.177G>A on transcript NM_024782.3 (MANE Select); coding-DNA position 177, G replaced by A.
Protein change: p.Lys59=; no amino-acid change (lysine 59 retained).
Molecular consequence: synonymous variant. On other transcripts: non-coding transcript variant (1).
Genome position (GRCh38, 1-based): chr2:219,158,186, C>T on the plus strand (G>A on the coding strand, the complement: NHEJ1 is on the minus strand). VCF-style: chr2-219158186-C-T. GRCh37 (hg19) VCF-style: chr2-220022908-C-T.
Other names: c.177G>A, p.Lys59= (NM_001377498.1, NM_001377499.1).
Identifiers: ClinVar variation 1347834 (VCV001347834.4), dbSNP rs756996341, ClinGen allele CA2117085.

ClinVar aggregate classification (germline): Uncertain significance. Review status: criteria provided, multiple submitters, no conflicts (2 of 4 stars). 2 submissions from 2 submitters: Uncertain significance (2). Last evaluated 2022-03-18.

Conditions:
Cernunnos-XLF deficiency (IMD124). Also called: SCID, AUTOSOMAL RECESSIVE, T CELL-NEGATIVE, B CELL-NEGATIVE, NK CELL-POSITIVE, WITH MICROCEPHALY, GROWTH RETARDATION, AND SENSITIVITY TO IONIZING RADIATION; Severe combined immunodeficiency with sensitivity to ionizing radiation due to NHEJ1 deficiency; SCID, autosomal recessive, T cell-negative, B cell-negative, NK cell-positive, and sensitivity to ionizing radiation due to NHEJ1 deficiency; IMMUNODEFICIENCY 124, SEVERE COMBINED; NHEJ1 SYNDROME. Identifiers: Orphanet 169079, MedGen C1969799, MONDO:0012650, OMIM 611291.

Allele frequency attached by ClinVar (database versions not stated): gnomAD exomes below 0.00001 and 0.00002; ExAC 0.00001; gnomAD 0.00001; TOPMed 0.00001.
gnomAD v4.1: 26 of 1,614,058 alleles (0.0016%); highest among the groups gnomAD compares: Non-Finnish European, 0.0022%; no homozygotes.

Submissions (2):

AiLife Diagnostics
Classification: Uncertain significance. Last evaluated: 2022-03-18. Review status: criteria provided, single submitter. Criteria: ACMG Guidelines, 2015. Collection method: clinical testing. Allele origin: germline. Affected: yes. Observed: 1 variant allele.

Labcorp Genetics (formerly Invitae), Labcorp
Classification: Uncertain significance for Cernunnos-XLF deficiency. Last evaluated: 2022-03-03. Review status: criteria provided, single submitter. Criteria: Invitae Variant Classification Sherloc (09022015). Collection method: clinical testing. Allele origin: germline.
Comment: This sequence change affects codon 59 of the NHEJ1 mRNA. It is a 'silent' change, meaning that it does not change the encoded amino acid sequence of the NHEJ1 protein. This variant also falls at the last nucleotide of exon 2, which is part of the consensus splice site for this exon. This variant is present in population databases (rs756996341, gnomAD 0.0009%). This variant has not been reported in the literature in individuals affected with NHEJ1-related conditions. Variants that disrupt the consensus splice site are a relatively common cause of aberrant splicing (PMID: 17576681, 9536098). Algorithms developed to predict the effect of sequence changes on RNA splicing suggest that this variant is not likely to affect RNA splicing. In summary, the available evidence is currently insufficient to determine the role of this variant in disease. Therefore, it has been classified as a Variant of Uncertain Significance.

Literature cited by the submitters: PubMed 17576681 (cited by Labcorp Genetics (formerly Invitae), Labcorp); PubMed 9536098 (cited by Labcorp Genetics (formerly Invitae), Labcorp).